The following is an entry in ClinVar:

NM_003590.5(CUL3):c.*3148A>G

Gene: CUL3 (cullin 3; minus strand). Cytogenetic location: 2q36.2.
Variant type: single nucleotide variant.
Coding change: c.*3148A>G on transcript NM_003590.5 (MANE Select); 3148 bases downstream of the stop codon, A replaced by G.
Molecular consequence: 3 prime UTR variant.
Genome position (GRCh38, 1-based): chr2:224,471,097, T>C on the plus strand (A>G on the coding strand, the complement: CUL3 is on the minus strand). VCF-style: chr2-224471097-T-C. GRCh37 (hg19) VCF-style: chr2-225335814-T-C.
Other names: NC_000002.11:g.225335814T>C; c.*3148A>G (NM_001257197.2, NM_001257198.2).
Identifiers: ClinVar variation 334582 (VCV000334582.8), dbSNP rs17479770, ClinGen allele CA10614502.

ClinVar aggregate classification (germline): Benign. Review status: criteria provided, multiple submitters, no conflicts (2 of 4 stars). 2 submissions from 2 submitters: Benign (2). Last evaluated 2018-01-13.

Conditions:
Pseudohypoaldosteronism type 2E (PHA2E). Also called: Pseudohypoaldosteronism Type IIE. Identifiers: Orphanet 300530, Orphanet 757, MedGen C3469606, MONDO:0013782, OMIM 614496.

Allele frequency attached by ClinVar (database versions not stated): 1000 Genomes Project 30x 0.24282; gnomAD 0.24341 and 0.24628; TOPMed 0.24548; 1000 Genomes Project 0.25020; gnomAD exomes 0.30305.
gnomAD v4.1: 58,430 of 221,000 alleles (26%); highest among the groups gnomAD compares: East Asian, 36%; 8,660 homozygotes.

Submissions (8):

Illumina Laboratory Services, Illumina
Classification: Benign for Pseudohypoaldosteronism type 2E. Last evaluated: 2018-01-13. Review status: criteria provided, single submitter. Criteria: ICSL Variant Classification Criteria 13 December 2019. Collection method: clinical testing. Allele origin: germline.
Comment: This variant was observed in the ICSL laboratory as part of a predisposition screen in an ostensibly healthy population. It had not been previously curated by ICSL or reported in the Human Gene Mutation Database (HGMD: prior to June 1st, 2018), and was therefore a candidate for classification through an automated scoring system. Utilizing variant allele frequency, disease prevalence and penetrance estimates, and inheritance mode, an automated score was calculated to assess if this variant is too frequent to cause the disease. Based on the score and internal cut-off values, a variant classified as benign is not then subjected to further curation. The score for this variant resulted in a classification of benign for this disease.

Breakthrough Genomics
Classification: Benign. Review status: criteria provided, single submitter. Criteria: ACMG Guidelines, 2015. Collection method: not provided. Allele origin: germline. Inheritance: Autosomal dominant inheritance. Affected: yes.

Dr. Peter K. Rogan Lab, Western University
No classification provided (evidence only). Condition: Ovarian serous cystadenocarcinoma. Review status: no classification provided. Collection method: in vitro. Allele origin: not applicable. Functional consequence: retained intron. Not counted in ClinVar's aggregate classification.

Dr. Peter K. Rogan Lab, Western University
No classification provided (evidence only). Condition: Ovarian serous cystadenocarcinoma. Review status: no classification provided. Collection method: in vitro. Allele origin: not applicable. Functional consequence: retained intron. Not counted in ClinVar's aggregate classification.

Dr. Peter K. Rogan Lab, Western University
No classification provided (evidence only). Condition: Ovarian serous cystadenocarcinoma. Review status: no classification provided. Collection method: in vitro. Allele origin: not applicable. Functional consequence: retained intron. Not counted in ClinVar's aggregate classification.

Dr. Peter K. Rogan Lab, Western University
No classification provided (evidence only). Condition: Ovarian serous cystadenocarcinoma. Review status: no classification provided. Collection method: in vitro. Allele origin: not applicable. Functional consequence: retained intron. Not counted in ClinVar's aggregate classification.

Dr. Peter K. Rogan Lab, Western University
No classification provided (evidence only). Condition: Ovarian serous cystadenocarcinoma. Review status: no classification provided. Collection method: in vitro. Allele origin: not applicable. Functional consequence: retained intron. Not counted in ClinVar's aggregate classification.

Dr. Peter K. Rogan Lab, Western University
No classification provided (evidence only). Condition: Ovarian serous cystadenocarcinoma. Review status: no classification provided. Collection method: in vitro. Allele origin: not applicable. Functional consequence: retained intron. Not counted in ClinVar's aggregate classification.